The following is an entry in ClinVar:

ClinVar aggregate classification (germline): Conflicting classifications of pathogenicity. Review status: criteria provided, conflicting classifications (1 of 4 stars). 3 submissions from 3 submitters: Uncertain significance (1); Likely benign (1). 1 of the submissions does not count toward it. Last evaluated 2024-01-19.

Conditions:
RCBTB1-related disorder. Also called: RCBTB1-related condition.

Allele frequency attached by ClinVar (database versions not stated): gnomAD exomes 0.00002 and 0.00004; TOPMed 0.00003; ExAC 0.00004; gnomAD 0.00004.
gnomAD v4.1: 59 of 1,611,116 alleles (0.0037%); highest among the groups gnomAD compares: Non-Finnish European, 0.0049%; no homozygotes.

Submissions (4):

Blueprint Genetics
Classification: Likely benign. Last evaluated: 2024-01-19. Review status: criteria provided, single submitter. Criteria: ACMG Guidelines, 2015. Collection method: clinical testing. Allele origin: germline.

Labcorp Genetics (formerly Invitae), Labcorp
Classification: Uncertain significance. Last evaluated: 2022-10-05. Review status: criteria provided, single submitter. Criteria: Invitae Variant Classification Sherloc (09022015). Collection method: clinical testing. Allele origin: germline.
Comment: This sequence change falls in intron 12 of the RCBTB1 gene. It does not directly change the encoded amino acid sequence of the RCBTB1 protein. It affects a nucleotide within the consensus splice site. This variant is present in population databases (rs756073261, gnomAD 0.006%). This variant has not been reported in the literature in individuals affected with RCBTB1-related conditions. ClinVar contains an entry for this variant (Variation ID: 938546). Variants that disrupt the consensus splice site are a relatively common cause of aberrant splicing (PMID: 17576681, 9536098). Algorithms developed to predict the effect of sequence changes on RNA splicing suggest that this variant is not likely to affect RNA splicing. In summary, the available evidence is currently insufficient to determine the role of this variant in disease. Therefore, it has been classified as a Variant of Uncertain Significance.

PreventionGenetics, part of Exact Sciences
Classification: Likely benign for RCBTB1-related condition. Last evaluated: 2020-01-09. Review status: no assertion criteria provided. Collection method: clinical testing. Allele origin: germline. Not counted in ClinVar's aggregate classification.
Comment: This variant is classified as likely benign based on ACMG/AMP sequence variant interpretation guidelines (Richards et al. 2015 PMID: 25741868, with internal and published modifications).

Dr. Peter K. Rogan Lab, Western University
No classification provided (evidence only). Condition: Familial cancer of breast. Review status: no classification provided. Collection method: in vitro. Allele origin: not applicable. Functional consequence: retained intron. Not counted in ClinVar's aggregate classification.

Literature cited by the submitters: PubMed 17576681 (cited by Labcorp Genetics (formerly Invitae), Labcorp); PubMed 9536098 (cited by Labcorp Genetics (formerly Invitae), Labcorp).

NM_018191.4(RCBTB1):c.1455+6T>A

Gene: RCBTB1 (RCC1 and BTB domain containing protein 1; minus strand). Cytogenetic location: 13q14.2.
Variant type: single nucleotide variant.
Coding change: c.1455+6T>A on transcript NM_018191.4 (MANE Select); 6 bases into the intron after coding-DNA position 1455, T replaced by A.
Molecular consequence: intron variant. On other transcripts: synonymous variant (1).
Genome position (GRCh38, 1-based): chr13:49,540,870, A>T on the plus strand (T>A on the coding strand, the complement: RCBTB1 is on the minus strand). VCF-style: chr13-49540870-A-T. GRCh37 (hg19) VCF-style: chr13-50115006-A-T.
Other names: c.1461T>A, p.Thr487= (NM_001352504.2); c.1455+6T>A (NM_001352501.2, NM_001352502.2, NM_001352503.2 and 1 more transcripts); c.876+6T>A (NM_001352506.2); c.1461T>A (NM_001352504.1).
Identifiers: ClinVar variation 938546 (VCV000938546.8), dbSNP rs756073261, ClinGen allele CA6982574.